The following is an entry in ClinVar:

NM_000237.3(LPL):c.512T>C (p.Leu171Pro)

Gene: LPL (lipoprotein lipase; plus strand). Cytogenetic location: 8p21.3.
Variant type: single nucleotide variant.
Coding change: c.512T>C on transcript NM_000237.3 (MANE Select); coding-DNA position 512, T replaced by C.
Protein change: p.Leu171Pro; replaces leucine 171 with proline.
Molecular consequence: missense variant.
Genome position (GRCh38, 1-based): chr8:19,953,392, T>C. VCF-style: chr8-19953392-T-C. GRCh37 (hg19) VCF-style: chr8-19810903-T-C.
Other names: short protein forms L171P.
Identifiers: ClinVar variation 3679547 (VCV003679547.2).

ClinVar aggregate classification (germline): Uncertain significance (1 of 4 stars; one submission).

Submission:

Labcorp Genetics (formerly Invitae), Labcorp
Classification: Uncertain significance. Last evaluated: 2024-02-13. Review status: criteria provided, single submitter. Criteria: Invitae Variant Classification Sherloc (09022015). Collection method: clinical testing. Allele origin: germline.
Comment: This sequence change replaces leucine, which is neutral and non-polar, with proline, which is neutral and non-polar, at codon 171 of the LPL protein (p.Leu171Pro). This variant is not present in population databases (gnomAD no frequency). This missense change has been observed in individual(s) with clinical features of chylomicronemia (Invitae). Advanced modeling of protein sequence and biophysical properties (such as structural, functional, and spatial information, amino acid conservation, physicochemical variation, residue mobility, and thermodynamic stability) performed at Invitae indicates that this missense variant is expected to disrupt LPL protein function with a positive predictive value of 80%. In summary, the available evidence is currently insufficient to determine the role of this variant in disease. Therefore, it has been classified as a Variant of Uncertain Significance.